The following is an entry in ClinVar:

ClinVar aggregate classification (germline): Uncertain significance (1 of 4 stars; one submission).

gnomAD v4.1: 52 of 1,614,080 alleles (0.0032%); highest among the groups gnomAD compares: Non-Finnish European, 0.0043%; no homozygotes.

Submission:

Labcorp Genetics (formerly Invitae), Labcorp
Classification: Uncertain significance. Last evaluated: 2025-11-25. Review status: criteria provided, single submitter. Criteria: Invitae Variant Classification Sherloc (09022015). Collection method: clinical testing. Allele origin: germline.
Comment: This sequence change replaces threonine, which is neutral and polar, with serine, which is neutral and polar, at codon 336 of the TRIM28 protein (p.Thr336Ser). This variant is not present in population databases (gnomAD no frequency). This variant has not been reported in the literature in individuals affected with TRIM28-related conditions. Experimental studies and prediction algorithms are not available or were not evaluated, and the functional significance of this variant is currently unknown. In summary, the available evidence is currently insufficient to determine the role of this variant in disease. Therefore, it has been classified as a Variant of Uncertain Significance.

NM_005762.3(TRIM28):c.1007C>G (p.Thr336Ser)

Gene: TRIM28 (tripartite motif containing 28; plus strand). Cytogenetic location: 19q13.43.
Variant type: single nucleotide variant.
Coding change: c.1007C>G on transcript NM_005762.3 (MANE Select); coding-DNA position 1007, C replaced by G.
Protein change: p.Thr336Ser; replaces threonine 336 with serine.
Molecular consequence: missense variant.
Genome position (GRCh38, 1-based): chr19:58,548,086, C>G. VCF-style: chr19-58548086-C-G. GRCh37 (hg19) VCF-style: chr19-59059453-C-G.
Other names: short protein forms T336S.
Identifiers: ClinVar variation 4799173 (VCV004799173.1).